The following is an entry in ClinVar:

NM_001130823.3(DNMT1):c.3232G>A (p.Val1078Met)

Gene: DNMT1 (DNA methyltransferase 1; minus strand). Cytogenetic location: 19p13.2.
Variant type: single nucleotide variant.
Coding change: c.3232G>A on transcript NM_001130823.3 (MANE Select); coding-DNA position 3232, G replaced by A.
Protein change: p.Val1078Met; replaces valine 1078 with methionine.
Molecular consequence: missense variant.
Genome position (GRCh38, 1-based): chr19:10,142,105, C>T on the plus strand (G>A on the coding strand, the complement: DNMT1 is on the minus strand). VCF-style: chr19-10142105-C-T. GRCh37 (hg19) VCF-style: chr19-10252781-C-T.
Other names: c.3232G>A (LRG_362t1); c.3184G>A, p.Val1062Met (NM_001318730.2, NM_001379.4); c.2869G>A, p.Val957Met (NM_001318731.2); short protein forms V1078M, V1062M, V957M.
Identifiers: ClinVar variation 373368 (VCV000373368.9), dbSNP rs560179619, ClinGen allele CA9187806.
Genomic context (GRCh38, chr19:10,142,105, plus strand): 5'-GGTTGGGGCCGCCCATGGAGTACACCTGGACGCACTCGGGCAGGTCCTCCCCATACTCCA[C>T]GGTGCAGCGGCCCTGCACAGCCTTGAAGTCCACCACGGCCTCCTCGTCGCTCCAGTAGAG-3'
Protein context (NP_001124295.1, residues 1068-1088): DFKAVQGRCT[Val1078Met]EYGEDLPECV

ClinVar aggregate classification (germline): Conflicting classifications of pathogenicity. Review status: criteria provided, conflicting classifications (1 of 4 stars). 2 submissions from 2 submitters: Uncertain significance (1); Likely benign (1). Last evaluated 2025-11-27.

Conditions:
Hereditary sensory neuropathy-deafness-dementia syndrome. Also called: Hereditary sensory neuropathy type IE; NEUROPATHY, HEREDITARY SENSORY, WITH HEARING LOSS AND DEMENTIA; Hereditary Sensory and Autonomic Neuropathy Type 1E (HSAN1E); HSN IE. Identifiers: Orphanet 456318, MedGen C3279885, MONDO:0013584, OMIM 614116.

Allele frequency attached by ClinVar (database versions not stated): ExAC 0.00002; gnomAD exomes 0.00002 and 0.00007; TOPMed 0.00004; gnomAD 0.00005; 1000 Genomes Project 0.00020; 1000 Genomes Project 30x 0.00031.
gnomAD v4.1: 103 of 1,613,244 alleles (0.0064%); highest among the groups gnomAD compares: African/African-American, 0.013%; no homozygotes.

Submissions (2):

Labcorp Genetics (formerly Invitae), Labcorp
Classification: Likely benign for Hereditary sensory neuropathy-deafness-dementia syndrome. Last evaluated: 2025-11-27. Review status: criteria provided, single submitter. Criteria: Invitae Variant Classification Sherloc (09022015). Collection method: clinical testing. Allele origin: germline.

GeneDx
Classification: Uncertain significance. Last evaluated: 2016-11-15. Review status: criteria provided, single submitter. Criteria: GeneDx Variant Classification (06012015). Collection method: clinical testing. Allele origin: germline. Affected: yes.
Comment: A variant of uncertain significance has been identified in the DNMT1 gene. The V1078M variant has not been published as a pathogenic variant, nor has it been reported as a benign variant to our knowledge. It was not observed in approximately 6,500 individuals of European and African American ancestry in the NHLBI Exome Sequencing Project, indicating it is not a common benign variant in these populations, and the 1000 Genomes Project reports the V1078M variant was not observed with any significant frequency. The V1078M variant is a conservative amino acid substitution, which is not likely to impact secondary protein structure as these residues share similar properties. This substitution occurs at a position where amino acids with similar properties to Valine are tolerated across species. However, in silico analysis is inconsistent in its predictions as to whether or not the variant is damaging to the protein structure/function. Therefore, based on the currently available information, it is unclear whether this variant is a pathogenic variant or a rare benign variant.